The following is an entry in ClinVar:

NM_002519.3(NPAT):c.1652G>C (p.Cys551Ser)

Gene: NPAT (nuclear protein, coactivator of histone transcription; minus strand). Cytogenetic location: 11q22.3.
Variant type: single nucleotide variant.
Coding change: c.1652G>C on transcript NM_002519.3 (MANE Select); coding-DNA position 1652, G replaced by C.
Protein change: p.Cys551Ser; replaces cysteine 551 with serine.
Molecular consequence: missense variant.
Genome position (GRCh38, 1-based): chr11:108,173,332, C>G on the plus strand (G>C on the coding strand, the complement: NPAT is on the minus strand). VCF-style: chr11-108173332-C-G. GRCh37 (hg19) VCF-style: chr11-108044059-C-G.
Other names: c.1652G>C, p.Cys551Ser (NM_001321307.1); short protein forms C551S.
Identifiers: ClinVar variation 1958814 (VCV001958814.5), dbSNP rs1178316656, ClinGen allele CA382514668.

ClinVar aggregate classification (germline): Uncertain significance (1 of 4 stars; one submission).

Allele frequency attached by ClinVar (database versions not stated): TOPMed 0.00002.
gnomAD v4.1: 6 of 1,612,882 alleles (0.00037%); highest among the groups gnomAD compares: Non-Finnish European, 0.00051%; no homozygotes.

Submission:

Labcorp Genetics (formerly Invitae), Labcorp
Classification: Uncertain significance. Last evaluated: 2022-05-16. Review status: criteria provided, single submitter. Criteria: Invitae Variant Classification Sherloc (09022015). Collection method: clinical testing. Allele origin: germline.
Comment: This variant has not been reported in the literature in individuals affected with NPAT-related conditions. Algorithms developed to predict the effect of missense changes on protein structure and function output the following: SIFT: "Tolerated"; PolyPhen-2: "Benign"; Align-GVGD: "Class C0". The serine amino acid residue is found in multiple mammalian species, which suggests that this missense change does not adversely affect protein function. In summary, the available evidence is currently insufficient to determine the role of this variant in disease. Therefore, it has been classified as a Variant of Uncertain Significance. This sequence change replaces cysteine, which is neutral and slightly polar, with serine, which is neutral and polar, at codon 551 of the NPAT protein (p.Cys551Ser). This variant is not present in population databases (gnomAD no frequency).